The following is an entry in ClinVar:

ClinVar aggregate classification (germline): Uncertain significance (1 of 4 stars; one submission).

Conditions:
TMEM67-related disorder. Also called: TMEM67-related disorders; TMEM67-related condition. Identifiers: MedGen CN239423.

Submission:

PreventionGenetics, part of Exact Sciences
Classification: Uncertain significance for TMEM67-related condition. Last evaluated: 2025-04-16. Review status: criteria provided, single submitter. Criteria: ACMG Guidelines, 2015. Collection method: clinical testing. Allele origin: germline.
Comment: The TMEM67 c.2421G>A variant is predicted to result in the amino acid substitution p.Met807Ile. To our knowledge, this variant has not been reported in the literature or in a large population database (gnomAD), indicating this variant is rare. At this time, the clinical significance of this variant is uncertain due to the absence of conclusive functional and genetic evidence.

NM_153704.6(TMEM67):c.2421G>A (p.Met807Ile)

Gene: TMEM67 (transmembrane protein 67; plus strand). Cytogenetic location: 8q22.1.
Variant type: single nucleotide variant.
Coding change: c.2421G>A on transcript NM_153704.6 (MANE Select); coding-DNA position 2421, G replaced by A.
Protein change: p.Met807Ile; replaces methionine 807 with isoleucine.
Molecular consequence: missense variant. On other transcripts: non-coding transcript variant (1).
Genome position (GRCh38, 1-based): chr8:93,804,860, G>A. VCF-style: chr8-93804860-G-A. GRCh37 (hg19) VCF-style: chr8-94817088-G-A.
Other names: c.2178G>A, p.Met726Ile (NM_001142301.1); short protein forms M726I, M807I.
Identifiers: ClinVar variation 4982865 (VCV004982865.1).